The following is an entry in ClinVar:

NM_001429.4(EP300):c.7200dup (p.Asp2401fs)

Gene: EP300 (EP300 lysine acetyltransferase; plus strand). Cytogenetic location: 22q13.2.
Variant type: Duplication.
Coding change: c.7200dup on transcript NM_001429.4 (MANE Select); coding-DNA position 7200, one base duplicated (A; older notation c.7200dupA).
Protein change: p.Asp2401fs; shifts the reading frame from aspartic acid 2401.
Molecular consequence: frameshift variant.
Genome position (GRCh38, 1-based): chr22:41,178,911, A duplicated. VCF-style (leftmost placement, unchanged base first): chr22-41178910-C-CA. GRCh37 (hg19) VCF-style: chr22-41574914-C-CA.
Other names: c.7122dup, p.Asp2375fs (NM_001362843.2); short protein forms D2375fs, D2401fs.
Identifiers: ClinVar variation 5019520 (VCV005019520.2).

ClinVar aggregate classification (germline): Uncertain significance (1 of 4 stars; one submission).

Conditions:
Rubinstein-Taybi syndrome due to EP300 haploinsufficiency. Also called: EP300-Related Rubinstein-Taybi Syndrome; RUBINSTEIN-TAYBI SYNDROME 2. Identifiers: Orphanet 353284, Orphanet 783, MedGen C3150941, MONDO:0013364, OMIM 613684.

Submission:

Juno Genomics, Hangzhou Juno Genomics, Inc
Classification: Uncertain significance for Rubinstein-Taybi syndrome due to EP300 haploinsufficiency. Review status: criteria provided, single submitter. Criteria: ACMG Guidelines, 2015. Collection method: clinical testing. Allele origin: germline.
Comment: Absent from controls (or at extremely low frequency if recessive) in Genome Aggregation Database.;Null variant in a gene where loss of function (LOF) is a known mechanism of disease.